The following is an entry in ClinVar:

NM_004415.4(DSP):c.3527T>C (p.Val1176Ala)

Gene: DSP (desmoplakin; plus strand). Cytogenetic location: 6p24.3.
Variant type: single nucleotide variant.
Coding change: c.3527T>C on transcript NM_004415.4 (MANE Select); coding-DNA position 3527, T replaced by C.
Protein change: p.Val1176Ala; replaces valine 1176 with alanine.
Molecular consequence: missense variant.
Genome position (GRCh38, 1-based): chr6:7,579,717, T>C. VCF-style: chr6-7579717-T-C. GRCh37 (hg19) VCF-style: chr6-7579950-T-C.
Other names: c.3527T>C, p.Val1176Ala (NM_001008844.3, NM_001319034.2); short protein forms V1176A.
Identifiers: ClinVar variation 1035484 (VCV001035484.12), dbSNP rs1759357469, ClinGen allele CA362684269.
Genomic context (GRCh38, chr6:7,579,717, plus strand): 5'-AGAAATTAGAGTCTGAGAAAGCCATCAAGGAGAAGGAGTACGAGATTGAAAGGTTGAGGG[T>C]TCTACTGCAGGAAGAAGGCACCCGGAAGAGAGAATATGAAAATGAGCTGGCAAAGGTAAG-3'
Protein context (NP_004406.2, residues 1166-1186): EKEYEIERLR[Val1176Ala]LLQEEGTRKR

ClinVar aggregate classification (germline): Uncertain significance (1 of 4 stars; one submission).

Conditions:
Arrhythmogenic cardiomyopathy with wooly hair and keratoderma. Also called: Dilated cardiomyopathy with woolly hair and keratoderma; Carvajal syndrome; PALMOPLANTAR KERATODERMA WITH LEFT VENTRICULAR CARDIOMYOPATHY AND WOOLLY HAIR; Arrhythmogenic cardiomyopathy with woolly hair and keratoderma. Identifiers: Orphanet 65282, MedGen C1854063, MONDO:0011581, OMIM 605676.
Arrhythmogenic right ventricular dysplasia 8 (ARVD8). Also called: ARRHYTHMOGENIC RIGHT VENTRICULAR DYSPLASIA, FAMILIAL, 8; ARRHYTHMOGENIC RIGHT VENTRICULAR CARDIOMYOPATHY 8; Arrhythmogenic Right Ventricular Dysplasia/Cardiomyopathy 8. Identifiers: MedGen C1843896, MONDO:0011831, OMIM 607450.

Submission:

Labcorp Genetics (formerly Invitae), Labcorp
Classification: Uncertain significance for Arrhythmogenic cardiomyopathy with wooly hair and keratoderma; Arrhythmogenic right ventricular dysplasia 8. Last evaluated: 2020-01-22. Review status: criteria provided, single submitter. Criteria: Invitae Variant Classification Sherloc (09022015). Collection method: clinical testing. Allele origin: germline.
Comment: This sequence change replaces valine with alanine at codon 1176 of the DSP protein (p.Val1176Ala). The valine residue is moderately conserved and there is a small physicochemical difference between valine and alanine. This variant is not present in population databases (ExAC no frequency). This variant has not been reported in the literature in individuals with DSP-related conditions. Algorithms developed to predict the effect of missense changes on protein structure and function (SIFT, PolyPhen-2, Align-GVGD) all suggest that this variant is likely to be tolerated, but these predictions have not been confirmed by published functional studies and their clinical significance is uncertain. In summary, the available evidence is currently insufficient to determine the role of this variant in disease. Therefore, it has been classified as a Variant of Uncertain Significance.